The following is an entry in ClinVar:

ClinVar aggregate classification (germline): Pathogenic/Likely pathogenic. Review status: criteria provided, multiple submitters, no conflicts (2 of 4 stars). 4 submissions from 4 submitters: Pathogenic (3); Likely pathogenic (1). Last evaluated 2026-01-22.

Conditions:
Joubert syndrome. Also called: JOUBERT-BOLTSHAUSER SYNDROME; Familial aplasia of the vermis. Identifiers: Orphanet 475, MedGen C5979921, MONDO:0018772.
Meckel-Gruber syndrome. Also called: DYSENCEPHALIA SPLANCHNOCYSTICA; GRUBER SYNDROME; Dysencephalia splachnocystica. Identifiers: Orphanet 564, MedGen C0265215, MONDO:0018921.
Meckel syndrome, type 6. Identifiers: Orphanet 564, MedGen C2676790, MONDO:0012848, OMIM 612284.
Joubert syndrome and related disorders. Identifiers: Orphanet 140874, MedGen C5679612, MONDO:0015369.
Retinitis pigmentosa 93. Identifiers: MedGen C5676970, MONDO:0030797, OMIM 619845.
COACH syndrome 2. Identifiers: MedGen C5436837, MONDO:0030859, OMIM 619111.
Joubert syndrome 9 (JBTS9). Identifiers: Orphanet 2318, MedGen C2676788, MONDO:0012849, OMIM 612285.

Submissions (4):

Women's Health and Genetics/Laboratory Corporation of America, LabCorp
Classification: Pathogenic for Meckel syndrome, type 6. Last evaluated: 2026-01-22. Review status: criteria provided, single submitter. Criteria: LabCorp Variant Classification Summary - May 2015. Collection method: clinical testing. Allele origin: germline.
Comment: Variant summary: CC2D2A c.3280delC (p.Leu1094SerfsX5) results in a premature termination codon, predicted to cause a truncation of the encoded protein or absence of the protein due to nonsense mediated decay, which are commonly known mechanisms for disease. The frequency data for this variant in gnomAD is considered unreliable, as metrics indicate poor data quality at this position. To our knowledge, no occurrence of c.3280delC in individuals affected with CC2D2A-related conditions and no experimental evidence demonstrating its impact on protein function have been reported. ClinVar contains an entry for this variant (Variation ID: 3590387). Based on the evidence outlined above, the variant was classified as pathogenic.

Myriad Genetics, Inc.
Classification: Pathogenic for Joubert syndrome and related disorders. Last evaluated: 2025-02-21. Review status: criteria provided, single submitter. Criteria: Myriad Autosomal Dominant, Autosomal Recessive and X-Linked Classification Criteria (2023). Collection method: clinical testing. Allele origin: unknown.
Comment: NM_001080522.2(CC2D2A):c.3280delC(L1094Sfs*5) is expected to be pathogenic in the context of CC2D2A-related disorders. This variant is predicted to lead to an abnormal or absent protein product due to the creation of a premature termination codon in CC2D2A, a gene where loss-of-function variants are known to be pathogenic. Please note: this variant was assessed in the context of healthy population screening.

Fulgent Genetics
Classification: Likely pathogenic for Meckel syndrome, type 6; Joubert syndrome 9; COACH syndrome 2; Retinitis pigmentosa 93. Last evaluated: 2024-03-12. Review status: criteria provided, single submitter. Criteria: ACMG Guidelines, 2015. Collection method: clinical testing. Allele origin: germline.

Labcorp Genetics (formerly Invitae), Labcorp
Classification: Pathogenic for Joubert syndrome; Meckel-Gruber syndrome. Last evaluated: 2024-02-17. Review status: criteria provided, single submitter. Criteria: Invitae Variant Classification Sherloc (09022015). Collection method: clinical testing. Allele origin: germline.
Comment: This sequence change creates a premature translational stop signal (p.Leu1094Serfs*5) in the CC2D2A gene. It is expected to result in an absent or disrupted protein product. Loss-of-function variants in CC2D2A are known to be pathogenic (PMID: 19777577). This variant is not present in population databases (gnomAD no frequency). This variant has not been reported in the literature in individuals affected with CC2D2A-related conditions. For these reasons, this variant has been classified as Pathogenic.

Literature cited by the submitters: PubMed 19777577 (cited by Labcorp Genetics (formerly Invitae), Labcorp).

NM_001378615.1(CC2D2A):c.3280del (p.Leu1094fs)

Genes: CC2D2A (coiled-coil and C2 domain containing 2A; plus strand), FBXL5 (F-box and leucine rich repeat protein 5; minus strand). Cytogenetic location: 4p15.32.
Variant type: Deletion.
Coding change: c.3280del on transcript NM_001378615.1 (MANE Select); coding-DNA position 3280, one base deleted (C; older notation c.3280delC).
Protein change: p.Leu1094fs; shifts the reading frame from leucine 1094.
Molecular consequence: frameshift variant.
Genome position (GRCh38, 1-based): chr4:15,567,474, C deleted; the last of 5 consecutive C bases (chr4:15,567,470-15,567,474); deleting any one gives the same sequence. VCF-style (leftmost placement, unchanged base first): chr4-15567469-AC-A. GRCh37 (hg19) VCF-style: chr4-15569092-AC-A.
Other names: c.3280del, p.Leu1094fs (NM_001080522.2); c.3133del, p.Leu1045fs (NM_001378617.1); c.3280delC (NM_001080522.2); short protein forms L1094fs, L1045fs.
Identifiers: ClinVar variation 3590387 (VCV003590387.5).